The following is an entry in ClinVar:

NM_152564.5(VPS13B):c.984T>A (p.His328Gln)

Gene: VPS13B (vacuolar protein sorting 13 homolog B; plus strand). Cytogenetic location: 8q22.2.
Variant type: single nucleotide variant.
Coding change: c.984T>A on transcript NM_152564.5 (MANE Select); coding-DNA position 984, T replaced by A.
Protein change: p.His328Gln; replaces histidine 328 with glutamine.
Molecular consequence: missense variant. On other transcripts: non-coding transcript variant (1).
Genome position (GRCh38, 1-based): chr8:99,121,223, T>A. VCF-style: chr8-99121223-T-A. GRCh37 (hg19) VCF-style: chr8-100133451-T-A.
Other names: c.984T>A, p.His328Gln (NM_015243.3, NM_017890.5, NM_181661.3); short protein forms H328Q.
Identifiers: ClinVar variation 1712573 (VCV001712573.4), dbSNP rs769062076, ClinGen allele CA4822527.
Genomic context (GRCh38, chr8:99,121,223, plus strand): 5'-ATTTTAATTGATAGGTTCTGAAGATGAAACAAGAATAGATATGCAATATCCTGCTCAGCA[T>A]AAAGGTCAAGAGTTATATTCACAGCAAGATGAGGAGCAGCCACAGGGATGGGTGTCATGG-3'
Protein context (NP_689777.3, residues 318-338): TRIDMQYPAQ[His328Gln]KGQELYSQQD

ClinVar aggregate classification (germline): Uncertain significance. Review status: criteria provided, multiple submitters, no conflicts (2 of 4 stars). 2 submissions from 2 submitters: Uncertain significance (2). Last evaluated 2022-08-06.

Conditions:
Cohen syndrome (COH1). Also called: PEPPER SYNDROME; Cutis verticis gyrata, retinitis pigmentosa, and sensorineural deafness. Identifiers: Orphanet 193, MedGen C0265223, MONDO:0008999, OMIM 216550.

Allele frequency attached by ClinVar (database versions not stated): ExAC 0.00001; gnomAD 0.00001; gnomAD exomes 0.00001.
gnomAD v4.1: 6 of 1,613,968 alleles (0.00037%); highest among the groups gnomAD compares: Admixed American, 0.01%; no homozygotes.

Submissions (2):

Labcorp Genetics (formerly Invitae), Labcorp
Classification: Uncertain significance for Cohen syndrome. Last evaluated: 2022-08-06. Review status: criteria provided, single submitter. Criteria: Invitae Variant Classification Sherloc (09022015). Collection method: clinical testing. Allele origin: germline.
Comment: This sequence change replaces histidine, which is basic and polar, with glutamine, which is neutral and polar, at codon 328 of the VPS13B protein (p.His328Gln). This variant is present in population databases (rs769062076, gnomAD 0.009%). This variant has not been reported in the literature in individuals affected with VPS13B-related conditions. Algorithms developed to predict the effect of missense changes on protein structure and function are either unavailable or do not agree on the potential impact of this missense change (SIFT: "Not Available"; PolyPhen-2: "Benign"; Align-GVGD: "Not Available"). In summary, the available evidence is currently insufficient to determine the role of this variant in disease. Therefore, it has been classified as a Variant of Uncertain Significance.

GeneDx
Classification: Uncertain significance. Last evaluated: 2022-04-25. Review status: criteria provided, single submitter. Criteria: GeneDx Variant Classification Process June 2021. Collection method: clinical testing. Allele origin: germline. Affected: yes.
Comment: Not observed at significant frequency in large population cohorts (gnomAD); In silico analysis supports that this missense variant does not alter protein structure/function; Has not been previously published as pathogenic or benign to our knowledge